The following is an entry in ClinVar:

ClinVar aggregate classification (germline): Uncertain significance (1 of 4 stars; one submission).

Conditions:
Cardiovascular phenotype. Identifiers: MedGen CN230736.

Allele frequency attached by ClinVar (database versions not stated): gnomAD exomes below 0.00001; gnomAD 0.00001.
gnomAD v4.1: 3 of 1,613,668 alleles (0.00019%); highest among the groups gnomAD compares: Non-Finnish European, 0.00017%; no homozygotes.

Submission:

Ambry Genetics
Classification: Uncertain significance for Cardiovascular phenotype. Last evaluated: 2021-03-25. Review status: criteria provided, single submitter. Criteria: Ambry Variant Classification Scheme 2023. Collection method: clinical testing. Allele origin: germline.
Comment: The p.S344L variant (also known as c.1031C>T), located in coding exon 10 of the MYH6 gene, results from a C to T substitution at nucleotide position 1031. The serine at codon 344 is replaced by leucine, an amino acid with dissimilar properties. This amino acid position is poorly conserved in available vertebrate species. In addition, this alteration is predicted to be tolerated by in silico analysis. Since supporting evidence is limited at this time, the clinical significance of this alteration remains unclear.

NM_002471.4(MYH6):c.1031C>T (p.Ser344Leu)

Gene: MYH6 (myosin heavy chain 6; minus strand). Cytogenetic location: 14q11.2.
Variant type: single nucleotide variant.
Coding change: c.1031C>T on transcript NM_002471.4 (MANE Select); coding-DNA position 1031, C replaced by T.
Protein change: p.Ser344Leu; replaces serine 344 with leucine.
Molecular consequence: missense variant.
Genome position (GRCh38, 1-based): chr14:23,402,574, G>A on the plus strand (C>T on the coding strand, the complement: MYH6 is on the minus strand). VCF-style: chr14-23402574-G-A. GRCh37 (hg19) VCF-style: chr14-23871783-G-A.
Other names: short protein forms S344L.
Identifiers: ClinVar variation 1771278 (VCV001771278.2), dbSNP rs1339734533, ClinGen allele CA389026435.